The following is an entry in ClinVar:

NM_003737.4(DCHS1):c.9473G>A (p.Arg3158His)

Gene: DCHS1 (dachsous cadherin-related 1; minus strand). Cytogenetic location: 11p15.4.
Variant type: single nucleotide variant.
Coding change: c.9473G>A on transcript NM_003737.4 (MANE Select); coding-DNA position 9473, G replaced by A.
Protein change: p.Arg3158His; replaces arginine 3158 with histidine.
Molecular consequence: missense variant.
Genome position (GRCh38, 1-based): chr11:6,622,203, C>T on the plus strand (G>A on the coding strand, the complement: DCHS1 is on the minus strand). VCF-style: chr11-6622203-C-T. GRCh37 (hg19) VCF-style: chr11-6643434-C-T.
Other names: short protein forms R3158H.
Identifiers: ClinVar variation 1899925 (VCV001899925.5), dbSNP rs760356441, ClinGen allele CA5859242.
Genomic context (GRCh38, chr11:6,622,203, plus strand): 5'-CTGGCCAGTGGTTGGAACTGAGGGCACCAGCTCAGCAGGTAGTCCCAGTTATAGCTGCCA[C>T]GGAGCTCCTCCTCGCCGGCCACAATGGCTGTCAGCGCACCTGCCACACATGGCTTGCCAT-3'
Protein context (NP_003728.1, residues 3148-3168): TAIVAGEEEL[Arg3158His]GSYNWDYLLS

ClinVar aggregate classification (germline): Uncertain significance (1 of 4 stars; one submission).

Allele frequency attached by ClinVar (database versions not stated): ExAC 0.00001; gnomAD 0.00003; TOPMed 0.00003.
gnomAD v4.1: 61 of 1,603,980 alleles (0.0038%); highest among the groups gnomAD compares: Non-Finnish European, 0.0049%; no homozygotes.

Submission:

Labcorp Genetics (formerly Invitae), Labcorp
Classification: Uncertain significance. Last evaluated: 2025-09-26. Review status: criteria provided, single submitter. Criteria: Invitae Variant Classification Sherloc (09022015). Collection method: clinical testing. Allele origin: germline.
Comment: This sequence change replaces arginine, which is basic and polar, with histidine, which is basic and polar, at codon 3158 of the DCHS1 protein (p.Arg3158His). This variant is present in population databases (rs760356441, gnomAD 0.007%). This variant has not been reported in the literature in individuals affected with DCHS1-related conditions. ClinVar contains an entry for this variant (Variation ID: 1899925). Invitae Evidence Modeling of protein sequence and biophysical properties (such as structural, functional, and spatial information, amino acid conservation, physicochemical variation, residue mobility, and thermodynamic stability) has been performed for this missense variant. However, the output from this modeling did not meet the statistical confidence thresholds required to predict the impact of this variant on DCHS1 protein function. In summary, the available evidence is currently insufficient to determine the role of this variant in disease. Therefore, it has been classified as a Variant of Uncertain Significance.